The following is an entry in ClinVar:

NM_003184.4(TAF2):c.3415A>G (p.Thr1139Ala)

Gene: TAF2 (TATA-box binding protein associated factor 2; minus strand). Cytogenetic location: 8q24.12.
Variant type: single nucleotide variant.
Coding change: c.3415A>G on transcript NM_003184.4 (MANE Select); coding-DNA position 3415, A replaced by G.
Protein change: p.Thr1139Ala; replaces threonine 1139 with alanine.
Molecular consequence: missense variant.
Genome position (GRCh38, 1-based): chr8:119,732,109, T>C on the plus strand (A>G on the coding strand, the complement: TAF2 is on the minus strand). VCF-style: chr8-119732109-T-C. GRCh37 (hg19) VCF-style: chr8-120744349-T-C.
Other names: c.3415A>G (NM_003184.3); short protein forms T1139A.
Identifiers: ClinVar variation 1170265 (VCV001170265.12), dbSNP rs956748, ClinGen allele CA4856791.

ClinVar aggregate classification (germline): Benign. Review status: criteria provided, multiple submitters, no conflicts (2 of 4 stars). 3 submissions from 3 submitters: Benign (2). 1 of the submissions does not count toward it. Last evaluated 2026-01-29.

Conditions:
TAF2-related disorder. Also called: TAF2-related condition.

Allele frequency attached by ClinVar (database versions not stated): gnomAD exomes 0.08067 and 0.09430; ExAC 0.10320; gnomAD 0.16729 and 0.17317; ESP Exome Variant Server 0.18653; TOPMed 0.17261; 1000 Genomes Project 30x 0.18801; 1000 Genomes Project 0.18071.
gnomAD v4.1: 143,942 of 1,613,892 alleles (8.9%); highest among the groups gnomAD compares: African/African-American, 43%; 11,697 homozygotes.

Submissions (3):

Labcorp Genetics (formerly Invitae), Labcorp
Classification: Benign. Last evaluated: 2026-01-29. Review status: criteria provided, single submitter. Criteria: Invitae Variant Classification Sherloc (09022015). Collection method: clinical testing. Allele origin: germline.

Breakthrough Genomics
Classification: Benign. Review status: criteria provided, single submitter. Criteria: ACMG Guidelines, 2015. Collection method: not provided. Allele origin: germline. Inheritance: Autosomal recessive inheritance. Affected: yes.

PreventionGenetics, part of Exact Sciences
Classification: Benign for TAF2-related condition. Last evaluated: 2019-11-07. Review status: no assertion criteria provided. Collection method: clinical testing. Allele origin: germline. Not counted in ClinVar's aggregate classification.
Comment: This variant is classified as benign based on ACMG/AMP sequence variant interpretation guidelines (Richards et al. 2015 PMID: 25741868, with internal and published modifications).